The following is an entry in ClinVar:

ClinVar aggregate classification (germline): Uncertain significance. Review status: criteria provided, multiple submitters, no conflicts (2 of 4 stars). 2 submissions from 2 submitters: Uncertain significance (2). Last evaluated 2024-04-20.

Conditions:
Early-infantile DEE. Also called: Early infantile epileptic encephalopathy with suppression bursts; Early infantile epileptic encephalopathy; Ohtahara syndrome. Identifiers: Orphanet 1934, MedGen C0393706, MONDO:0800491.

Submissions (2):

Labcorp Genetics (formerly Invitae), Labcorp
Classification: Uncertain significance for Early-infantile DEE. Last evaluated: 2024-04-20. Review status: criteria provided, single submitter. Criteria: Invitae Variant Classification Sherloc (09022015). Collection method: clinical testing. Allele origin: germline.
Comment: This sequence change replaces glutamine, which is neutral and polar, with arginine, which is basic and polar, at codon 814 of the SCN8A protein (p.Gln814Arg). This variant is not present in population databases (gnomAD no frequency). This variant has not been reported in the literature in individuals affected with SCN8A-related conditions. ClinVar contains an entry for this variant (Variation ID: 1710770). Advanced modeling of protein sequence and biophysical properties (such as structural, functional, and spatial information, amino acid conservation, physicochemical variation, residue mobility, and thermodynamic stability) performed at Invitae indicates that this missense variant is expected to disrupt SCN8A protein function with a positive predictive value of 95%. In summary, the available evidence is currently insufficient to determine the role of this variant in disease. Therefore, it has been classified as a Variant of Uncertain Significance.

GeneDx
Classification: Uncertain significance. Last evaluated: 2022-11-16. Review status: criteria provided, single submitter. Criteria: GeneDx Variant Classification Process June 2021. Collection method: clinical testing. Allele origin: germline. Affected: yes.
Comment: Not observed at significant frequency in large population cohorts (gnomAD); Missense variants in this gene are often considered pathogenic (HGMD); In silico analysis supports that this missense variant has a deleterious effect on protein structure/function; Has not been previously published as pathogenic or benign to our knowledge; This substitution is predicted to be within the intracellular loop between the S2 and S3 transmembrane segments of the second homologous domain.

NM_001330260.2(SCN8A):c.2441A>G (p.Gln814Arg)

Gene: SCN8A (sodium voltage-gated channel alpha subunit 8; plus strand). Cytogenetic location: 12q13.13.
Variant type: single nucleotide variant.
Coding change: c.2441A>G on transcript NM_001330260.2 (MANE Select); coding-DNA position 2441, A replaced by G.
Protein change: p.Gln814Arg; replaces glutamine 814 with arginine.
Molecular consequence: missense variant.
Genome position (GRCh38, 1-based): chr12:51,762,573, A>G. VCF-style: chr12-51762573-A-G. GRCh37 (hg19) VCF-style: chr12-52156357-A-G.
Other names: c.2441A>G, p.Gln814Arg (NM_001177984.3, NM_001369788.1, NM_014191.4); short protein forms Q814R.
Identifiers: ClinVar variation 1710770 (VCV001710770.4), dbSNP rs1256768510, ClinGen allele CA384883735.